The following is an entry in ClinVar:

ClinVar aggregate classification (germline): Uncertain significance (1 of 4 stars; one submission).

Submission:

Labcorp Genetics (formerly Invitae), Labcorp
Classification: Uncertain significance. Last evaluated: 2025-01-27. Review status: criteria provided, single submitter. Criteria: Invitae Variant Classification Sherloc (09022015). Collection method: clinical testing. Allele origin: germline.
Comment: This sequence change replaces methionine, which is neutral and non-polar, with isoleucine, which is neutral and non-polar, at codon 342 of the ATP6AP1 protein (p.Met342Ile). This variant is not present in population databases (gnomAD no frequency). This variant has not been reported in the literature in individuals affected with ATP6AP1-related conditions. ClinVar contains an entry for this variant (Variation ID: 1718373). Invitae Evidence Modeling of protein sequence and biophysical properties (such as structural, functional, and spatial information, amino acid conservation, physicochemical variation, residue mobility, and thermodynamic stability) indicates that this missense variant is not expected to disrupt ATP6AP1 protein function with a negative predictive value of 80%. In summary, the available evidence is currently insufficient to determine the role of this variant in disease. Therefore, it has been classified as a Variant of Uncertain Significance.

NM_001183.6(ATP6AP1):c.1026G>A (p.Met342Ile)

Gene: ATP6AP1 (ATPase H+ transporting accessory protein 1; plus strand). Cytogenetic location: Xq28.
Variant type: single nucleotide variant.
Coding change: c.1026G>A on transcript NM_001183.6 (MANE Select); coding-DNA position 1026, G replaced by A.
Protein change: p.Met342Ile; replaces methionine 342 with isoleucine.
Molecular consequence: missense variant.
Genome position (GRCh38, 1-based): chrX:154,435,328, G>A. VCF-style: chrX-154435328-G-A. GRCh37 (hg19) VCF-style: chrX-153663674-G-A.
Other names: short protein forms M342I.
Identifiers: ClinVar variation 1718373 (VCV001718373.5), dbSNP rs2523021273, ClinGen allele CA415195466.